The following is an entry in ClinVar:

ClinVar aggregate classification (germline): Uncertain significance (1 of 4 stars; one submission).

gnomAD v4.1: 2 of 1,614,214 alleles (0.00012%); highest among the groups gnomAD compares: South Asian, 0.0022%; no homozygotes.

Submission:

GeneDx
Classification: Uncertain significance. Last evaluated: 2023-07-19. Review status: criteria provided, single submitter. Criteria: GeneDx Variant Classification Process June 2021. Collection method: clinical testing. Allele origin: germline. Affected: yes.
Comment: Not observed at significant frequency in large population cohorts (gnomAD); In silico analysis supports that this missense variant has a deleterious effect on protein structure/function; Has not been previously published as pathogenic or benign to our knowledge

NM_000243.3(MEFV):c.1122G>T (p.Gln374His)

Gene: MEFV (MEFV innate immunity regulator, pyrin; minus strand). Cytogenetic location: 16p13.3.
Variant type: single nucleotide variant.
Coding change: c.1122G>T on transcript NM_000243.3 (MANE Select); coding-DNA position 1122, G replaced by T.
Protein change: p.Gln374His; replaces glutamine 374 with histidine.
Molecular consequence: missense variant.
Genome position (GRCh38, 1-based): chr16:3,249,569, C>A on the plus strand (G>T on the coding strand, the complement: MEFV is on the minus strand). VCF-style: chr16-3249569-C-A. GRCh37 (hg19) VCF-style: chr16-3299569-C-A.
Other names: c.489G>T, p.Gln163His (NM_001198536.2); short protein forms Q163H, Q374H.
Identifiers: ClinVar variation 3361341 (VCV003361341.1).
Genomic context (GRCh38, chr16:3,249,569, plus strand): 5'-GATGGGCTCATCGTGATCCTCACAGAAGAGCAGCTGGACCTGCTTCAGGTGGCGCTTACA[C>A]TGTGGCAGGGGCTGGGGGCTTAGGCTTCCCGGGCTCTTCCTTTCATGGGAGTCCTGGCAC-3'
Protein context (NP_000234.1, residues 364-384): PGSLSPQPLP[Gln374His]CKRHLKQVQL